The following is an entry in ClinVar:

ClinVar aggregate classification (germline): Likely benign. Review status: criteria provided, multiple submitters, no conflicts (2 of 4 stars). 2 submissions from 2 submitters: Likely benign (2). Last evaluated 2025-03-25.

Conditions:
Cardiovascular phenotype. Identifiers: MedGen CN230736.
TNNI3-related disorder. Also called: TNNI3-related condition; TNNI3-related disorders.

Submissions (2):

Ambry Genetics
Classification: Likely benign for Cardiovascular phenotype. Last evaluated: 2025-03-25. Review status: criteria provided, single submitter. Criteria: Ambry Variant Classification Scheme 2023. Collection method: clinical testing. Allele origin: germline.

PreventionGenetics, part of Exact Sciences
Classification: Likely benign for TNNI3-related condition. Last evaluated: 2025-02-11. Review status: criteria provided, single submitter. Criteria: ACMG Guidelines, 2015. Collection method: clinical testing. Allele origin: germline.
Comment: This variant is classified as likely benign based on ACMG/AMP sequence variant interpretation guidelines (Richards et al. 2015 PMID: 25741868, with internal and published modifications).

NM_000363.5(TNNI3):c.441G>A (p.Val147=)

Gene: TNNI3 (troponin I3, cardiac type; minus strand). Cytogenetic location: 19q13.42.
Variant type: single nucleotide variant.
Coding change: c.441G>A on transcript NM_000363.5 (MANE Select); coding-DNA position 441, G replaced by A.
Protein change: p.Val147=; no amino-acid change (valine 147 retained).
Molecular consequence: synonymous variant.
Genome position (GRCh38, 1-based): chr19:55,154,138, C>T on the plus strand (G>A on the coding strand, the complement: TNNI3 is on the minus strand). VCF-style: chr19-55154138-C-T. GRCh37 (hg19) VCF-style: chr19-55665506-C-T.
Identifiers: ClinVar variation 3971623 (VCV003971623.2).